The following is an entry in ClinVar:

ClinVar aggregate classification (germline): Uncertain significance (1 of 4 stars; one submission).

Conditions:
Epileptic encephalopathy. Identifiers: MedGen C0543888, HP:0200134.

Allele frequency attached by ClinVar (database versions not stated): gnomAD exomes below 0.00001; TOPMed below 0.00001; gnomAD 0.00001.
gnomAD v4.1: 2 of 1,596,720 alleles (0.00013%); highest among the groups gnomAD compares: Admixed American, 0.0017%; no homozygotes.

Submission:

Labcorp Genetics (formerly Invitae), Labcorp
Classification: Uncertain significance for Epileptic encephalopathy. Last evaluated: 2020-03-23. Review status: criteria provided, single submitter. Criteria: Invitae Variant Classification Sherloc (09022015). Collection method: clinical testing. Allele origin: germline.
Comment: This sequence change replaces serine with glycine at codon 555 of the FASN protein (p.Ser555Gly). The serine residue is weakly conserved and there is a small physicochemical difference between serine and glycine. This variant is not present in population databases (ExAC no frequency). This variant has not been reported in the literature in individuals with FASN-related conditions. Algorithms developed to predict the effect of missense changes on protein structure and function (SIFT, PolyPhen-2, Align-GVGD) all suggest that this variant is likely to be tolerated, but these predictions have not been confirmed by published functional studies and their clinical significance is uncertain. In summary, the available evidence is currently insufficient to determine the role of this variant in disease. Therefore, it has been classified as a Variant of Uncertain Significance.

NM_004104.5(FASN):c.1663A>G (p.Ser555Gly)

Gene: FASN (fatty acid synthase; minus strand). Cytogenetic location: 17q25.3.
Variant type: single nucleotide variant.
Coding change: c.1663A>G on transcript NM_004104.5 (MANE Select); coding-DNA position 1663, A replaced by G.
Protein change: p.Ser555Gly; replaces serine 555 with glycine.
Molecular consequence: missense variant.
Genome position (GRCh38, 1-based): chr17:82,090,899, T>C on the plus strand (A>G on the coding strand, the complement: FASN is on the minus strand). VCF-style: chr17-82090899-T-C. GRCh37 (hg19) VCF-style: chr17-80048775-T-C.
Other names: short protein forms S555G.
Identifiers: ClinVar variation 1046494 (VCV001046494.8), dbSNP rs2034192507, ClinGen allele CA401559976.
Genomic context (GRCh38, chr17:82,090,899, plus strand): 5'-CCTGGGGCTGGCGTTGCTCACACGCTGGCAGGCTGGGCCCTACCTGGATGGCAGTCAGGC[T>C]CACAAACGAATGGACGATGTCATCAAAGGTGCTCTCGTCTGTGCTCAGCAGCAGCTGTGA-3'
Protein context (NP_004095.4, residues 545-565): TFDDIVHSFV[Ser555Gly]LTAIQIGLID